The following is an entry in ClinVar:

NM_012479.4(YWHAG):c.63C>G (p.Asp21Glu)

Gene: YWHAG (tyrosine 3-monooxygenase/tryptophan 5-monooxygenase activation protein gamma; minus strand). Cytogenetic location: 7q11.23.
Variant type: single nucleotide variant.
Coding change: c.63C>G on transcript NM_012479.4 (MANE Select); coding-DNA position 63, C replaced by G.
Protein change: p.Asp21Glu; replaces aspartic acid 21 with glutamic acid.
Molecular consequence: missense variant.
Genome position (GRCh38, 1-based): chr7:76,358,746, G>C on the plus strand (C>G on the coding strand, the complement: YWHAG is on the minus strand). VCF-style: chr7-76358746-G-C. GRCh37 (hg19) VCF-style: chr7-75988063-G-C.
Other names: short protein forms D21E.
Identifiers: ClinVar variation 3666335 (VCV003666335.2).

ClinVar aggregate classification (germline): Uncertain significance (1 of 4 stars; one submission).

Submission:

Labcorp Genetics (formerly Invitae), Labcorp
Classification: Uncertain significance. Last evaluated: 2024-10-10. Review status: criteria provided, single submitter. Criteria: Invitae Variant Classification Sherloc (09022015). Collection method: clinical testing. Allele origin: germline.
Comment: This sequence change replaces aspartic acid, which is acidic and polar, with glutamic acid, which is acidic and polar, at codon 21 of the YWHAG protein (p.Asp21Glu). This variant is not present in population databases (gnomAD no frequency). This variant has not been reported in the literature in individuals affected with YWHAG-related conditions. Invitae Evidence Modeling of protein sequence and biophysical properties (such as structural, functional, and spatial information, amino acid conservation, physicochemical variation, residue mobility, and thermodynamic stability) indicates that this missense variant is not expected to disrupt YWHAG protein function with a negative predictive value of 80%. In summary, the available evidence is currently insufficient to determine the role of this variant in disease. Therefore, it has been classified as a Variant of Uncertain Significance.